The following is an entry in ClinVar:

ClinVar aggregate classification (germline): Likely pathogenic (1 of 4 stars; one submission).

Conditions:
Glutaric aciduria, type 1. Also called: GA I; Glutaric Acidemia Type 1; Glutaric acidemia type I; Glutaricacidemia Type 1; Glutaryl-CoA dehydrogenase deficiency; Glutaricaciduria, type I. Identifiers: Orphanet 25, MedGen C0268595, MONDO:0009281, OMIM 231670.

Submission:

Labcorp Genetics (formerly Invitae), Labcorp
Classification: Likely pathogenic for Glutaric aciduria, type 1. Last evaluated: 2021-12-24. Review status: criteria provided, single submitter. Criteria: Invitae Variant Classification Sherloc (09022015). Collection method: clinical testing. Allele origin: germline.
Comment: In summary, the currently available evidence indicates that the variant is pathogenic, but additional data are needed to prove that conclusively. Therefore, this variant has been classified as Likely Pathogenic. This variant disrupts the p.Met263 amino acid residue in GCDH. Other variant(s) that disrupt this residue have been determined to be pathogenic (PMID: 14707522, 18775954). This suggests that this residue is clinically significant, and that variants that disrupt this residue are likely to be disease-causing. Advanced modeling of protein sequence and biophysical properties (such as structural, functional, and spatial information, amino acid conservation, physicochemical variation, residue mobility, and thermodynamic stability) performed at Invitae indicates that this missense variant is expected to disrupt GCDH protein function. This variant has not been reported in the literature in individuals affected with GCDH-related conditions. This variant is not present in population databases (gnomAD no frequency). This sequence change replaces methionine, which is neutral and non-polar, with threonine, which is neutral and polar, at codon 263 of the GCDH protein (p.Met263Thr).

Literature cited by the submitters: PubMed 14707522; PubMed 18775954.

NM_000159.4(GCDH):c.788T>C (p.Met263Thr)

Gene: GCDH (glutaryl-CoA dehydrogenase; plus strand). Cytogenetic location: 19p13.13.
Variant type: single nucleotide variant.
Coding change: c.788T>C on transcript NM_000159.4 (MANE Select); coding-DNA position 788, T replaced by C.
Protein change: p.Met263Thr; replaces methionine 263 with threonine.
Molecular consequence: missense variant. On other transcripts: non-coding transcript variant (2).
Genome position (GRCh38, 1-based): chr19:12,896,357, T>C. VCF-style: chr19-12896357-T-C. GRCh37 (hg19) VCF-style: chr19-13007171-T-C.
Other names: c.788T>C, p.Met263Thr (NM_013976.5); short protein forms M263T.
Identifiers: ClinVar variation 2058118 (VCV002058118.4), dbSNP rs2512573674, ClinGen allele CA404318958.